The following is an entry in ClinVar:

ClinVar aggregate classification (germline): Uncertain significance. Review status: criteria provided, multiple submitters, no conflicts (2 of 4 stars). 2 submissions from 2 submitters: Uncertain significance (2). Last evaluated 2023-11-24.

Conditions:
Inborn genetic diseases. Identifiers: MedGen C0950123, MeSH D030342.
Cornelia de Lange syndrome 4 (CDLS4). Also called: RAD21-Related Cornelia de Lange Syndrome; CORNELIA DE LANGE SYNDROME 4 WITH OR WITHOUT MIDLINE BRAIN DEFECTS. Identifiers: Orphanet 199, MedGen C3553517, MONDO:0013864, OMIM 614701.

Allele frequency attached by ClinVar (database versions not stated): gnomAD 0.00001; TOPMed 0.00003.
gnomAD v4.1: 9 of 1,613,128 alleles (0.00056%); highest among the groups gnomAD compares: African/African-American, 0.004%; no homozygotes.

Submissions (2):

Labcorp Genetics (formerly Invitae), Labcorp
Classification: Uncertain significance for Cornelia de Lange syndrome 4. Last evaluated: 2023-11-24. Review status: criteria provided, single submitter. Criteria: Invitae Variant Classification Sherloc (09022015). Collection method: clinical testing. Allele origin: germline.
Comment: This sequence change replaces proline, which is neutral and non-polar, with serine, which is neutral and polar, at codon 426 of the RAD21 protein (p.Pro426Ser). The frequency data for this variant in the population databases is considered unreliable, as metrics indicate poor data quality at this position in the gnomAD database. This variant has not been reported in the literature in individuals affected with RAD21-related conditions. ClinVar contains an entry for this variant (Variation ID: 1766625). Advanced modeling of protein sequence and biophysical properties (such as structural, functional, and spatial information, amino acid conservation, physicochemical variation, residue mobility, and thermodynamic stability) performed at Invitae indicates that this missense variant is not expected to disrupt RAD21 protein function with a negative predictive value of 80%. In summary, the available evidence is currently insufficient to determine the role of this variant in disease. Therefore, it has been classified as a Variant of Uncertain Significance.

Ambry Genetics
Classification: Uncertain significance for Inborn genetic diseases. Last evaluated: 2019-05-20. Review status: criteria provided, single submitter. Criteria: Ambry Variant Classification Scheme 2023. Collection method: clinical testing. Allele origin: germline.
Comment: The p.P426S variant (also known as c.1276C>T), located in coding exon 9 of the RAD21 gene, results from a C to T substitution at nucleotide position 1276. The proline at codon 426 is replaced by serine, an amino acid with similar properties. This amino acid position is highly conserved in available vertebrate species. In addition, the in silico prediction for this alteration is inconclusive. Since supporting evidence is limited at this time, the clinical significance of this alteration remains unclear.

NM_006265.3(RAD21):c.1276C>T (p.Pro426Ser)

Gene: RAD21 (RAD21 cohesin complex component; minus strand). Cytogenetic location: 8q24.11.
Variant type: single nucleotide variant.
Coding change: c.1276C>T on transcript NM_006265.3 (MANE Select); coding-DNA position 1276, C replaced by T.
Protein change: p.Pro426Ser; replaces proline 426 with serine.
Molecular consequence: missense variant.
Genome position (GRCh38, 1-based): chr8:116,852,594, G>A on the plus strand (C>T on the coding strand, the complement: RAD21 is on the minus strand). VCF-style: chr8-116852594-G-A. GRCh37 (hg19) VCF-style: chr8-117864833-G-A.
Other names: short protein forms P426S.
Identifiers: ClinVar variation 1766625 (VCV001766625.5), dbSNP rs1033410740, ClinGen allele CA184265406.
Genomic context (GRCh38, chr8:116,852,594, plus strand): 5'-TCCAACAGAACAAACCGATAACATCACGCTGCTGATGCTGCTGTTGCTGGTCCTCTCTAG[G>A]AACCTCTGGATTTTCAAATTCTTTGAGGAATTCATCCAAATTATCTGCCTCTCCTCCTTT-3'
Protein context (NP_006256.1, residues 416-436): FLKEFENPEV[Pro426Ser]REDQQQQHQQ